The following is an entry in ClinVar:

NM_007126.5(VCP):c.2161-3T>C

Gene: VCP (valosin containing protein; minus strand). Cytogenetic location: 9p13.3.
Variant type: single nucleotide variant.
Coding change: c.2161-3T>C on transcript NM_007126.5 (MANE Select); 3 bases into the intron before coding-DNA position 2161, T replaced by C.
Molecular consequence: intron variant.
Genome position (GRCh38, 1-based): chr9:35,057,533, A>G on the plus strand (T>C on the coding strand, the complement: VCP is on the minus strand). VCF-style: chr9-35057533-A-G. GRCh37 (hg19) VCF-style: chr9-35057530-A-G.
Other names: c.2026-3T>C (NM_001354927.2, NM_001354928.2).
Identifiers: ClinVar variation 3761564 (VCV003761564.2).
Genomic context (GRCh38, chr9:35,057,533, plus strand): 5'-TGGCTTCTTCAAAGTGATCTCGACGGATCTCAGGCACTGGATCATCCTCTTCTACCTCCT[A>G]TAGTTGGTAAACACAGATCACTAGGGCTAGTTAAAGCCCAGCCTGGATTTCATCCCAGGC-3'

ClinVar aggregate classification (germline): Uncertain significance (1 of 4 stars; one submission).

Conditions:
Inclusion body myopathy with Paget disease of bone and frontotemporal dementia. Also called: Inclusion body myopathy with early-onset Paget disease and frontotemporal dementia. Identifiers: Orphanet 52430, MedGen C1833662, MONDO:0000507.
Frontotemporal dementia and/or amyotrophic lateral sclerosis 6 (FTDALS6). Also called: VCP-Related Amyotrophic Lateral Sclerosis; VCP-Related Amyotrophic Lateral Sclerosis/Frontotemporal Dementia. Identifiers: Orphanet 275872, Orphanet 803, MedGen C5436279, MONDO:0013501, OMIM 613954.

gnomAD v4.1: 13 of 1,608,024 alleles (0.00081%); highest among the groups gnomAD compares: Non-Finnish European, 0.0011%; no homozygotes.

Submission:

Labcorp Genetics (formerly Invitae), Labcorp
Classification: Uncertain significance for Inclusion body myopathy with Paget disease of bone and frontotemporal dementia; Frontotemporal dementia and/or amyotrophic lateral sclerosis 6. Last evaluated: 2024-07-12. Review status: criteria provided, single submitter. Criteria: Invitae Variant Classification Sherloc (09022015). Collection method: clinical testing. Allele origin: germline.
Comment: This sequence change falls in intron 15 of the VCP gene. It does not directly change the encoded amino acid sequence of the VCP protein. It affects a nucleotide within the consensus splice site. This variant is present in population databases (rs748644456, gnomAD 0.0009%). This variant has not been reported in the literature in individuals affected with VCP-related conditions. Variants that disrupt the consensus splice site are a relatively common cause of aberrant splicing (PMID: 17576681, 9536098). Algorithms developed to predict the effect of sequence changes on RNA splicing suggest that this variant is not likely to affect RNA splicing. In summary, the available evidence is currently insufficient to determine the role of this variant in disease. Therefore, it has been classified as a Variant of Uncertain Significance.

Literature cited by the submitters: PubMed 17576681; PubMed 9536098.